The following is an entry in ClinVar:

NM_001267550.2(TTN):c.74995_74996del (p.Glu24999fs)

Genes: TTN-AS1 (TTN antisense RNA 1; plus strand), TTN (titin; minus strand). Cytogenetic location: 2q31.2.
Variant type: Deletion.
Coding change: c.74995_74996del on transcript NM_001267550.2 (MANE Select); coding-DNA positions 74995 to 74996, 2 bases deleted (GA; older notation c.74995_74996delGA).
Protein change: p.Glu24999fs; shifts the reading frame from glutamic acid 24999.
Molecular consequence: frameshift variant.
Genome position (GRCh38, 1-based): chr2:178,571,136-178,571,137, TC deleted on the plus strand (GA on the coding strand, the reverse complement: TTN is on the minus strand); deleting any 2 consecutive bases within chr2:178,571,136-178,571,138 gives the same sequence; the c. name uses the placement nearest the transcript's 3' end. VCF-style (leftmost placement, unchanged base first): chr2-178571135-TTC-T. GRCh37 (hg19) VCF-style: chr2-179435862-TTC-T.
Other names: c.70072_70073del, p.Glu23358fs (NM_001256850.1); c.47800_47801del, p.Glu15934fs (NM_003319.4); c.67291_67292del, p.Glu22431fs (NM_133378.4); c.48175_48176del, p.Glu16059fs (NM_133432.3); c.48376_48377del, p.Glu16126fs (NM_133437.4); short protein forms E15934fs, E16059fs, E16126fs, E22431fs, E23358fs, E24999fs.
Identifiers: ClinVar variation 850023 (VCV000850023.10), dbSNP rs1708041287, ClinGen allele CA916081344.

ClinVar aggregate classification (germline): Likely pathogenic (1 of 4 stars; one submission).

Conditions:
Autosomal recessive limb-girdle muscular dystrophy type 2J (LGMDR10). Also called: MUSCULAR DYSTROPHY, LIMB-GIRDLE, AUTOSOMAL RECESSIVE 10; Limb-girdle muscular dystrophy, type 2J. Identifiers: Orphanet 140922, MedGen C1837342, MONDO:0012127, OMIM 608807.
Dilated cardiomyopathy 1G (CMD1G). Identifiers: Orphanet 154, MedGen C1858763, MONDO:0011400, OMIM 604145.

Submission:

Labcorp Genetics (formerly Invitae), Labcorp
Classification: Likely pathogenic for Dilated cardiomyopathy 1G; Autosomal recessive limb-girdle muscular dystrophy type 2J. Last evaluated: 2019-12-05. Review status: criteria provided, single submitter. Criteria: Invitae Variant Classification Sherloc (09022015). Collection method: clinical testing. Allele origin: germline.
Comment: This sequence change results in a premature translational stop signal in the TTN gene (p.Glu24999Metfs*6). While this is not anticipated to result in nonsense mediated decay, it is expected to create a truncated TTN protein. This variant is not present in population databases (ExAC no frequency). This variant has not been reported in the literature in individuals with TTN-related conditions. This variant is located in the A band of TTN (PMID: 25589632). Truncating variants in this region are significantly overrepresented in patients affected with dilated cardiomyopathy (PMID: 25589632). Truncating variants in this region have also been reported in individuals affected with autosomal recessive centronuclear myopathy (PMID: 23975875). In summary, the currently available evidence indicates that the variant is pathogenic, but additional data are needed to prove that conclusively. Therefore, this variant has been classified as Likely Pathogenic.

Literature cited by the submitters: PubMed 25589632; PubMed 23975875.